The following is an entry in ClinVar:

ClinVar aggregate classification (germline): Pathogenic (1 of 4 stars; one submission).

Submission:

Baylor Genetics
Classification: Pathogenic. Last evaluated: 2018-11-01. Review status: criteria provided, single submitter. Criteria: ACMG CNV Guidelines, 2011. Collection method: clinical testing. Allele origin: germline. Affected: yes. Observed: 1 variant allele.
Comment: Duplications involving this region have been previously reported in patients with dysmorphic features and intellectual disability [PMID: 23333879]

GRCh37/hg19 16q23.3-24.3(chr16:82761333-90055381)

Genes: C16orf74 (chromosome 16 open reading frame 74; minus strand), C16orf95 (chromosome 16 open reading frame 95; minus strand), OSGIN1 (oxidative stress induced growth inhibitor 1; plus strand), PABPN1L (PABPN1 like, cytoplasmic; minus strand), RNF166 (ring finger protein 166; minus strand) and 80 more. Cytogenetic location: 16q23.3-24.3.
Variant type: copy number gain.
Identifiers: ClinVar variation 625611 (VCV000625611.1).